The following is an entry in ClinVar:

NM_000531.6(OTC):c.780_781delinsG (p.Ile261fs)

Gene: OTC (ornithine transcarbamylase; plus strand). Cytogenetic location: Xp11.4.
Variant type: Indel.
Coding change: c.780_781delinsG on transcript NM_000531.6 (MANE Select); coding-DNA positions 780 to 781, AA replaced by G.
Protein change: p.Ile261fs; shifts the reading frame from isoleucine 261.
Molecular consequence: frameshift variant.
Genome position (GRCh38, 1-based): chrX:38,408,938-38,408,939, AA replaced by G. VCF-style: chrX-38408938-AA-G. GRCh37 (hg19) VCF-style: chrX-38268191-AA-G.
Other names: short protein forms I261fs.
Identifiers: ClinVar variation 965756 (VCV000965756.6), dbSNP rs2068529696, ClinGen allele CA1139667392.
Genomic context (GRCh38, chrX:38,408,938, plus strand): 5'-TGGTACCAAGCTGTTGCTGACAAATGATCCATTGGAAGCAGCGCATGGAGGCAATGTATT[AA>G]TTACAGACACTTGGATAAGCATGGGACAAGAAGAGGAGAAGAAAAAGCGGCTCCAGGCTT-3'

ClinVar aggregate classification (germline): Pathogenic (1 of 4 stars; one submission).

Conditions:
Ornithine carbamoyltransferase deficiency (OTCD). Also called: Ornithine Carbamoyltransferase Deficiency Disease; OTC DEFICIENCY; ORNITHINE TRANSCARBAMYLASE DEFICIENCY; ORNITHINE TRANSCARBAMYLASE DEFICIENCY, HYPERAMMONEMIA DUE TO. Identifiers: Orphanet 664, MedGen C0268542, MONDO:0010703, OMIM 311250.

Submission:

Labcorp Genetics (formerly Invitae), Labcorp
Classification: Pathogenic for Ornithine carbamoyltransferase deficiency. Last evaluated: 2019-09-29. Review status: criteria provided, single submitter. Criteria: Invitae Variant Classification Sherloc (09022015). Collection method: clinical testing. Allele origin: germline.
Comment: This variant has not been reported in the literature in individuals with OTC-related conditions. This variant is not present in population databases (ExAC no frequency). This sequence change creates a premature translational stop signal (p.Ile261Leufs*6) in the OTC gene. It is expected to result in an absent or disrupted protein product. Loss-of-function variants in OTC are known to be pathogenic (PMID: 10946359, 16786505). For these reasons, this variant has been classified as Pathogenic.

Literature cited by the submitters: PubMed 10946359; PubMed 16786505.